The following is an entry in ClinVar:

NM_000525.4(KCNJ11):c.*848A>G

Gene: KCNJ11 (potassium inwardly rectifying channel subfamily J member 11; minus strand). Cytogenetic location: 11p15.1.
Variant type: single nucleotide variant.
Coding change: c.*848A>G on transcript NM_000525.4 (MANE Select); 848 bases downstream of the stop codon, A replaced by G.
Molecular consequence: 3 prime UTR variant.
Genome position (GRCh38, 1-based): chr11:17,386,071, T>C on the plus strand (A>G on the coding strand, the complement: KCNJ11 is on the minus strand). VCF-style: chr11-17386071-T-C. GRCh37 (hg19) VCF-style: chr11-17407618-T-C.
Other names: c.*848A>G (NM_001166290.2, NM_001377296.1, NM_001377297.1).
Identifiers: ClinVar variation 877518 (VCV000877518.5), dbSNP rs5206, ClinGen allele CA218398414.

ClinVar aggregate classification (germline): Conflicting classifications of pathogenicity. Review status: criteria provided, conflicting classifications (1 of 4 stars). 4 submissions from 2 submitters: Uncertain significance (2); Benign (2). Last evaluated 2018-01-12.

Conditions:
Hyperinsulinemic hypoglycemia, familial, 2. Also called: HYPERINSULINEMIC HYPOGLYCEMIA, PERSISTENT; HYPERINSULINISM, NEONATAL. Identifiers: Orphanet 276580, Orphanet 276603, MedGen C2931833, MONDO:0011153, OMIM 601820. Disease mechanism: loss of function.
Maturity-onset diabetes of the young type 13. Also called: MODY, TYPE 13. Identifiers: Orphanet 552, MedGen C4225365, MONDO:0014589, OMIM 616329.
Maturity-onset diabetes of the young (MODY). Also called: Maturity onset diabetes mellitus in young. Identifiers: Orphanet 552, MedGen C0342276, MONDO:0018911, HP:0004904.
Diabetes mellitus, transient neonatal, 3 (TNDM3). Identifiers: Orphanet 99886, MedGen C1864623, MONDO:0012522, OMIM 610582. Disease mechanism: loss of function.

Allele frequency attached by ClinVar (database versions not stated): gnomAD 0.00269 and 0.00291; TOPMed 0.00276; 1000 Genomes Project 30x 0.00312; 1000 Genomes Project 0.00359.

Submissions (4):

Illumina Laboratory Services, Illumina
Classification: Uncertain significance for Hyperinsulinemic hypoglycemia, familial, 2. Last evaluated: 2018-01-12. Review status: criteria provided, single submitter. Criteria: ICSL Variant Classification Criteria 13 December 2019. Collection method: clinical testing. Allele origin: germline.

Illumina Laboratory Services, Illumina
Classification: Benign for Diabetes mellitus, transient neonatal, 3. Last evaluated: 2018-01-12. Review status: criteria provided, single submitter. Criteria: ICSL Variant Classification Criteria 13 December 2019. Collection method: clinical testing. Allele origin: germline.
Comment: This variant was observed in the ICSL laboratory as part of a predisposition screen in an ostensibly healthy population. It had not been previously curated by ICSL or reported in the Human Gene Mutation Database (HGMD: prior to June 1st, 2018), and was therefore a candidate for classification through an automated scoring system. Utilizing variant allele frequency, disease prevalence and penetrance estimates, and inheritance mode, an automated score was calculated to assess if this variant is too frequent to cause the disease. Based on the score and internal cut-off values, a variant classified as benign is not then subjected to further curation. The score for this variant resulted in a classification of benign for this disease.

Illumina Laboratory Services, Illumina
Classification: Benign for Maturity-onset diabetes of the young type 13. Last evaluated: 2018-01-12. Review status: criteria provided, single submitter. Criteria: ICSL Variant Classification Criteria 13 December 2019. Collection method: clinical testing. Allele origin: germline.
Comment: the same text as in the submission from Illumina Laboratory Services, Illumina above.

Clinical Genomics, Uppaluri K&H Personalized Medicine Clinic
Classification: Uncertain significance for Maturity-onset diabetes of the young. Review status: criteria provided, single submitter. Criteria: K & H Uppaluri Personalized Medicine Clinic Variant Classification & Assertion Criteria_Updated V.1. Collection method: research. Allele origin: somatic. Inheritance: Autosomal dominant inheritance.
Comment: Mutations in KCNJ11 gene can cause decreased production and secretion of insulin. This can lead to MODY which may be responsive to oral sulfonylureas. It is also associated with Neonatal Diabetes. However, no sufficient evidence is found to ascertain the role of this particular variant (rs5206) in MODY yet.

Literature cited by the submitters: PubMed 26448950 (cited by Clinical Genomics, Uppaluri K&H Personalized Medicine Clinic); PubMed 15580558 (cited by Clinical Genomics, Uppaluri K&H Personalized Medicine Clinic); PubMed 15718250 (cited by Clinical Genomics, Uppaluri K&H Personalized Medicine Clinic); PubMed 32935446 (cited by Clinical Genomics, Uppaluri K&H Personalized Medicine Clinic); PubMed 22701567 (cited by Clinical Genomics, Uppaluri K&H Personalized Medicine Clinic).